The following is an entry in ClinVar:

NM_002471.4(MYH6):c.1734C>T (p.Phe578=)

Gene: MYH6 (myosin heavy chain 6; minus strand). Cytogenetic location: 14q11.2.
Variant type: single nucleotide variant.
Coding change: c.1734C>T on transcript NM_002471.4 (MANE Select); coding-DNA position 1734, C replaced by T.
Protein change: p.Phe578=; no amino-acid change (phenylalanine 578 retained).
Molecular consequence: synonymous variant.
Genome position (GRCh38, 1-based): chr14:23,398,885, G>A on the plus strand (C>T on the coding strand, the complement: MYH6 is on the minus strand). VCF-style: chr14-23398885-G-A. GRCh37 (hg19) VCF-style: chr14-23868094-G-A.
Identifiers: ClinVar variation 390634 (VCV000390634.1), dbSNP rs1057523847, ClinGen allele CA16606940.

ClinVar aggregate classification (germline): Likely benign (1 of 4 stars; one submission).

Submission:

GeneDx
Classification: Likely benign. Last evaluated: 2016-11-07. Review status: criteria provided, single submitter. Criteria: GeneDx Variant Classification (06012015). Collection method: clinical testing. Allele origin: germline. Affected: yes.
Comment: This variant is considered likely benign or benign based on one or more of the following criteria: it is a conservative change, it occurs at a poorly conserved position in the protein, it is predicted to be benign by multiple in silico algorithms, and/or has population frequency not consistent with disease.